The following is an entry in ClinVar:

ClinVar aggregate classification (germline): Likely benign (1 of 4 stars; one submission).

Allele frequency attached by ClinVar (database versions not stated): gnomAD exomes 0.00002; TOPMed 0.00004; ExAC 0.00008.
gnomAD v4.1: 26 of 1,211,094 alleles (0.0021%); highest among the groups gnomAD compares: Admixed American, 0.052%; no homozygotes.

Submission:

CeGaT Center for Human Genetics Tuebingen
Classification: Likely benign. Last evaluated: 2022-04-01. Review status: criteria provided, single submitter. Criteria: CeGaT Center For Human Genetics Tuebingen Variant Classification Criteria Version 2. Collection method: clinical testing. Allele origin: germline. Affected: yes. Observed: 1 variant allele.
Comment: USP26: BP4

NM_031907.3(USP26):c.2327C>T (p.Thr776Ile)

Gene: USP26 (ubiquitin specific peptidase 26; minus strand). Cytogenetic location: Xq26.2.
Variant type: single nucleotide variant.
Coding change: c.2327C>T on transcript NM_031907.3 (MANE Select); coding-DNA position 2327, C replaced by T.
Protein change: p.Thr776Ile; replaces threonine 776 with isoleucine.
Molecular consequence: missense variant.
Genome position (GRCh38, 1-based): chrX:133,025,894, G>A on the plus strand (C>T on the coding strand, the complement: USP26 is on the minus strand). VCF-style: chrX-133025894-G-A. GRCh37 (hg19) VCF-style: chrX-132159922-G-A.
Other names: short protein forms T776I.
Identifiers: ClinVar variation 2661459 (VCV002661459.24), dbSNP rs753542691, ClinGen allele CA10519784.
Genomic context (GRCh38, chrX:133,025,894, plus strand): 5'-TTCTTATTGGAACCCAGTGCAAGTAGGGAATTCCTGTTAGACTTCTGTAGATTTAATTTT[G>A]TAGGTCTTAGGAGGTTCTTTGTGTGCCCCTGGGTGCCTGGCTTTGGAAAGCTTTGAGGCA-3'
Protein context (NP_114113.1, residues 766-786): QGHTKNLLRP[Thr776Ile]KLNLQKSNRN